The following is an entry in ClinVar:

NM_001184880.2(PCDH19):c.3070G>C (p.Asp1024His)

Gene: PCDH19 (protocadherin 19; minus strand). Cytogenetic location: Xq22.1.
Variant type: single nucleotide variant.
Coding change: c.3070G>C on transcript NM_001184880.2 (MANE Select); coding-DNA position 3070, G replaced by C.
Protein change: p.Asp1024His; replaces aspartic acid 1024 with histidine.
Molecular consequence: missense variant.
Genome position (GRCh38, 1-based): chrX:100,296,654, C>G on the plus strand (G>C on the coding strand, the complement: PCDH19 is on the minus strand). VCF-style: chrX-100296654-C-G. GRCh37 (hg19) VCF-style: chrX-99551652-C-G.
Other names: c.2929G>C, p.Asp977His (NM_001105243.2); c.2926G>C, p.Asp976His (NM_020766.3); short protein forms D976H, D1024H, D977H.
Identifiers: ClinVar variation 3635016 (VCV003635016.2).

ClinVar aggregate classification (germline): Uncertain significance (1 of 4 stars; one submission).

Conditions:
Developmental and epileptic encephalopathy, 9 (DEE9). Also called: Early infantile epileptic encephalopathy 9; EPILEPSY, FEMALE-RESTRICTED, WITH MENTAL RETARDATION; JUBERG-HELLMAN SYNDROME; PCDH19-Related X-Linked Female-Limited Epilepsy with Mental Retardation. Identifiers: Orphanet 101039, Orphanet 2076, MedGen C1848137, MONDO:0010246, OMIM 300088. Disease mechanism: loss of function.

Submission:

Labcorp Genetics (formerly Invitae), Labcorp
Classification: Uncertain significance for Developmental and epileptic encephalopathy, 9. Last evaluated: 2024-11-12. Review status: criteria provided, single submitter. Criteria: Invitae Variant Classification Sherloc (09022015). Collection method: clinical testing. Allele origin: germline.
Comment: This sequence change replaces aspartic acid, which is acidic and polar, with histidine, which is basic and polar, at codon 1024 of the PCDH19 protein (p.Asp1024His). This variant is not present in population databases (gnomAD no frequency). This variant has not been reported in the literature in individuals affected with PCDH19-related conditions. Invitae Evidence Modeling of protein sequence and biophysical properties (such as structural, functional, and spatial information, amino acid conservation, physicochemical variation, residue mobility, and thermodynamic stability) indicates that this missense variant is not expected to disrupt PCDH19 protein function with a negative predictive value of 95%. In summary, the available evidence is currently insufficient to determine the role of this variant in disease. Therefore, it has been classified as a Variant of Uncertain Significance.